The following is an entry in ClinVar:

NM_001164508.2(NEB):c.24358G>A (p.Glu8120Lys)

Genes: NEB (nebulin; minus strand), RIF1 (replication timing regulatory factor 1; plus strand). Cytogenetic location: 2q23.3.
Variant type: single nucleotide variant.
Coding change: c.24358G>A on transcript NM_001164508.2 (MANE Select); coding-DNA position 24358, G replaced by A.
Protein change: p.Glu8120Lys; replaces glutamic acid 8120 with lysine.
Molecular consequence: missense variant. On other transcripts: intron variant (1).
Genome position (GRCh38, 1-based): chr2:151,496,976, C>T on the plus strand (G>A on the coding strand, the complement: NEB is on the minus strand). VCF-style: chr2-151496976-C-T. GRCh37 (hg19) VCF-style: chr2-152353490-C-T.
Other names: c.24358G>A, p.Glu8120Lys (NM_001164507.2); c.24463G>A, p.Glu8155Lys (NM_001271208.2); c.18826-608G>A (NM_004543.5); short protein forms E8120K, E8155K.
Identifiers: ClinVar variation 853678 (VCV000853678.10), dbSNP rs969631939, ClinGen allele CA57668216.
Genomic context (GRCh38, chr2:151,496,976, plus strand): 5'-TTTTTTTCTTTTCTTGCCCAAGTACCGAGCTAATATTTTCTTGATTGTGTTTGACTCTCT[C>T]CATCTCAGGAGTGACAGGTAGAGGGGTTCCCTTGCCCATGTTTTCTTTGTATAACACCTG-3'
Protein context (NP_001157980.2, residues 8110-8130): GTPLPVTPEM[Glu8120Lys]RVKHNQENIS

ClinVar aggregate classification (germline): Uncertain significance. Review status: criteria provided, single submitter (1 of 4 stars). 2 submissions from 2 submitters: Uncertain significance (1). 1 of the submissions does not count toward it. Last evaluated 2022-03-11.

Conditions:
Nemaline myopathy 2 (NEM2). Also called: Nemaline myopathy 2, autosomal recessive. Identifiers: MedGen C1850569, MONDO:0009725, OMIM 256030.

Allele frequency attached by ClinVar (database versions not stated): gnomAD exomes below 0.00001; TOPMed 0.00001; gnomAD 0.00002.
gnomAD v4.1: 9 of 1,581,242 alleles (0.00057%); highest among the groups gnomAD compares: African/African-American, 0.0013%; no homozygotes.

Submissions (2):

Labcorp Genetics (formerly Invitae), Labcorp
Classification: Uncertain significance for Nemaline myopathy 2. Last evaluated: 2022-03-11. Review status: criteria provided, single submitter. Criteria: Invitae Variant Classification Sherloc (09022015). Collection method: clinical testing. Allele origin: germline.
Comment: This sequence change replaces glutamic acid, which is acidic and polar, with lysine, which is basic and polar, at codon 8155 of the NEB protein (p.Glu8155Lys). The frequency data for this variant in the population databases is considered unreliable, as metrics indicate poor data quality at this position in the gnomAD database. This variant has not been reported in the literature in individuals affected with NEB-related conditions. ClinVar contains an entry for this variant (Variation ID: 853678). Algorithms developed to predict the effect of missense changes on protein structure and function are either unavailable or do not agree on the potential impact of this missense change (SIFT: "Deleterious"; PolyPhen-2: "Not Available"; Align-GVGD: "Class C0"). In summary, the available evidence is currently insufficient to determine the role of this variant in disease. Therefore, it has been classified as a Variant of Uncertain Significance.

Natera, Inc.
Classification: Uncertain significance for Nemaline myopathy type 2. Last evaluated: 2021-10-11. Review status: no assertion criteria provided. Collection method: clinical testing. Allele origin: germline. Not counted in ClinVar's aggregate classification.